The following is an entry in ClinVar:

NM_201548.5(CERKL):c.331C>T (p.Gln111Ter)

Gene: CERKL (CERK like autophagy regulator; minus strand). Cytogenetic location: 2q31.3.
Variant type: single nucleotide variant.
Coding change: c.331C>T on transcript NM_201548.5 (MANE Select); coding-DNA position 331, C replaced by T.
Protein change: p.Gln111Ter; replaces glutamine 111 with a stop codon.
Molecular consequence: nonsense. On other transcripts: non-coding transcript variant (2).
Genome position (GRCh38, 1-based): chr2:181,603,987, G>A on the plus strand (C>T on the coding strand, the complement: CERKL is on the minus strand). VCF-style: chr2-181603987-G-A. GRCh37 (hg19) VCF-style: chr2-182468714-G-A.
Other names: c.331C>T, p.Gln111Ter (NM_001030311.3, NM_001030312.3, NM_001030313.3 and 1 more transcripts); short protein forms Q111*.
Identifiers: ClinVar variation 1451702 (VCV001451702.6), dbSNP rs1024848122, ClinGen allele CA349730651.
Genomic context (GRCh38, chr2:181,603,987, plus strand): 5'-TTTGTTCCTTTTTCAAGCAGATGAAGAGTGTGATACCTAATAAAGTACCACTTCTCTGCT[G>A]TTTAACAGAACAACGCCGTTTCAGTTTCACAGAGAATATGTCTTTGAGTTCAATAAATTC-3'

ClinVar aggregate classification (germline): Pathogenic (1 of 4 stars; one submission).

gnomAD v4.1: 1 of 1,613,068 alleles (0.000062%); highest among the groups gnomAD compares: Non-Finnish European, 0.000085%; no homozygotes.

Submission:

Labcorp Genetics (formerly Invitae), Labcorp
Classification: Pathogenic. Last evaluated: 2021-03-16. Review status: criteria provided, single submitter. Criteria: Invitae Variant Classification Sherloc (09022015). Collection method: clinical testing. Allele origin: germline.
Comment: For these reasons, this variant has been classified as Pathogenic. This variant has not been reported in the literature in individuals with CERKL-related conditions. This variant is not present in population databases (ExAC no frequency). This sequence change creates a premature translational stop signal (p.Gln111*) in the CERKL gene. It is expected to result in an absent or disrupted protein product. Loss-of-function variants in CERKL are known to be pathogenic (PMID: 14681825, 24043777).

Literature cited by the submitters: PubMed 14681825; PubMed 24043777.